The following is an entry in ClinVar:

NM_000113.3(TOR1A):c.414T>G (p.Phe138Leu)

Gene: TOR1A (torsin family 1 member A; minus strand). Cytogenetic location: 9q34.11.
Variant type: single nucleotide variant.
Coding change: c.414T>G on transcript NM_000113.3 (MANE Select); coding-DNA position 414, T replaced by G.
Protein change: p.Phe138Leu; replaces phenylalanine 138 with leucine.
Molecular consequence: missense variant.
Genome position (GRCh38, 1-based): chr9:129,822,611, A>C on the plus strand (T>G on the coding strand, the complement: TOR1A is on the minus strand). VCF-style: chr9-129822611-A-C. GRCh37 (hg19) VCF-style: chr9-132584890-A-C.
Other names: short protein forms F138L.
Identifiers: ClinVar variation 4738098 (VCV004738098.1).

ClinVar aggregate classification (germline): Uncertain significance (1 of 4 stars; one submission).

Conditions:
Dystonic disorder. Also called: Dystonia. Identifiers: MedGen C0013421, MONDO:0003441, HP:0001332.

gnomAD v4.1: 1 of 1,614,220 alleles (0.000062%); highest among the groups gnomAD compares: Non-Finnish European, 0.000085%; no homozygotes.

Submission:

Labcorp Genetics (formerly Invitae), Labcorp
Classification: Uncertain significance for Dystonic disorder. Last evaluated: 2026-02-02. Review status: criteria provided, single submitter. Criteria: Invitae Variant Classification Sherloc (09022015). Collection method: clinical testing. Allele origin: germline.
Comment: This sequence change replaces phenylalanine, which is neutral and non-polar, with leucine, which is neutral and non-polar, at codon 138 of the TOR1A protein (p.Phe138Leu). This variant is present in population databases (no rsID available, gnomAD 0.0009%). This variant has not been reported in the literature in individuals affected with TOR1A-related conditions. Invitae Evidence Modeling of protein sequence and biophysical properties (such as structural, functional, and spatial information, amino acid conservation, physicochemical variation, residue mobility, and thermodynamic stability) indicates that this missense variant is expected to disrupt TOR1A protein function with a positive predictive value of 80%. In summary, the available evidence is currently insufficient to determine the role of this variant in disease. Therefore, it has been classified as a Variant of Uncertain Significance.